The following is an entry in ClinVar:

ClinVar aggregate classification (germline): Benign/Likely benign. Review status: criteria provided, multiple submitters, no conflicts (2 of 4 stars). 3 submissions from 3 submitters: Benign (1); Likely benign (2). Last evaluated 2026-06-26.

Conditions:
HGSNAT-related disorder. Also called: HGSNAT-related condition.
Mucopolysaccharidosis, MPS-III-C (MPS3C). Also called: MPS III C; Mucopolysaccharidosis type IIIC (Sanfilippo C); SANFILIPPO SYNDROME C; MUCOPOLYSACCHARIDOSIS, TYPE IIIC; mucopolysaccharidosis type 3C; MPS IIIC (Sanfilippo Syndrome Type C). Identifiers: Orphanet 581, Orphanet 79271, MedGen C0086649, MONDO:0009657, OMIM 252930.
Retinitis pigmentosa 73 (RP73). Identifiers: Orphanet 791, MedGen C4225287, MONDO:0014687, OMIM 616544.

Submissions (3):

PreventionGenetics, part of Exact Sciences
Classification: Likely benign for HGSNAT-related condition. Last evaluated: 2026-06-26. Review status: criteria provided, single submitter. Criteria: ACMG Guidelines, 2015. Collection method: clinical testing. Allele origin: germline.
Comment: This variant is classified as likely benign based on ACMG/AMP sequence variant interpretation guidelines (Richards et al. 2015 PMID: 25741868, with internal and published modifications).

Labcorp Genetics (formerly Invitae), Labcorp
Classification: Benign for Retinitis pigmentosa 73; Mucopolysaccharidosis, MPS-III-C. Last evaluated: 2026-01-31. Review status: criteria provided, single submitter. Criteria: Invitae Variant Classification Sherloc (09022015). Collection method: clinical testing. Allele origin: germline.

Blueprint Genetics
Classification: Likely benign. Last evaluated: 2022-11-14. Review status: criteria provided, single submitter. Criteria: ACMG Guidelines, 2015. Collection method: clinical testing. Allele origin: germline.

NM_152419.3(HGSNAT):c.564-4dup

Gene: HGSNAT (heparan-alpha-glucosaminide N-acetyltransferase; plus strand). Cytogenetic location: 8p11.21.
Variant type: Duplication.
Coding change: c.564-4dup on transcript NM_152419.3 (MANE Select); 4 bases into the intron before coding-DNA position 564, one base duplicated (T; older notation c.564-4dupT).
Molecular consequence: intron variant.
Genome position (GRCh38, 1-based): chr8:43,169,169, T duplicated; the last of 4 consecutive T bases (chr8:43,169,166-43,169,169); duplicating any one gives the same sequence. VCF-style (leftmost placement, unchanged base first): chr8-43169165-A-AT. GRCh37 (hg19) VCF-style: chr8-43024308-A-AT.
Other names: c.564-4dup (NM_001363227.2, NM_001363228.2); c.-270-4dup (NM_001363229.2); c.564-4dupT (NM_152419.2).
Identifiers: ClinVar variation 1168133 (VCV001168133.9), dbSNP rs748560542, ClinGen allele CA4736561.